The following is an entry in ClinVar:

NM_001206927.2(DNAH8):c.12376C>T (p.Pro4126Ser)

Genes: DNAH8 (dynein axonemal heavy chain 8; plus strand), DNAH8-AS1 (DNAH8 antisense RNA 1; minus strand). Cytogenetic location: 6p21.2.
Variant type: single nucleotide variant.
Coding change: c.12376C>T on transcript NM_001206927.2 (MANE Select); coding-DNA position 12376, C replaced by T.
Protein change: p.Pro4126Ser; replaces proline 4126 with serine.
Molecular consequence: missense variant.
Genome position (GRCh38, 1-based): chr6:38,951,445, C>T. VCF-style: chr6-38951445-C-T. GRCh37 (hg19) VCF-style: chr6-38919221-C-T.
Other names: c.11725C>T, p.Pro3909Ser (NM_001371.4); short protein forms P3909S, P4126S.
Identifiers: ClinVar variation 2969854 (VCV002969854.1), dbSNP rs1170406490, ClinGen allele CA363997163.

ClinVar aggregate classification (germline): Uncertain significance (1 of 4 stars; one submission).

Conditions:
Primary ciliary dyskinesia. Also called: Ciliary dyskinesia. Identifiers: Orphanet 244, MedGen C0008780, MONDO:0016575, HP:0012265.

Allele frequency attached by ClinVar (database versions not stated): gnomAD exomes below 0.00001; gnomAD 0.00001.
gnomAD v4.1: 7 of 1,614,028 alleles (0.00043%); highest among the groups gnomAD compares: Non-Finnish European, 0.00059%; no homozygotes.

Submission:

Labcorp Genetics (formerly Invitae), Labcorp
Classification: Uncertain significance for Primary ciliary dyskinesia. Last evaluated: 2023-04-17. Review status: criteria provided, single submitter. Criteria: Invitae Variant Classification Sherloc (09022015). Collection method: clinical testing. Allele origin: germline.
Comment: In summary, the available evidence is currently insufficient to determine the role of this variant in disease. Therefore, it has been classified as a Variant of Uncertain Significance. Advanced modeling of protein sequence and biophysical properties (such as structural, functional, and spatial information, amino acid conservation, physicochemical variation, residue mobility, and thermodynamic stability) performed at Invitae indicates that this missense variant is expected to disrupt DNAH8 protein function. This variant has not been reported in the literature in individuals affected with DNAH8-related conditions. This variant is present in population databases (no rsID available, gnomAD 0.01%). This sequence change replaces proline, which is neutral and non-polar, with serine, which is neutral and polar, at codon 4126 of the DNAH8 protein (p.Pro4126Ser).